The following is an entry in ClinVar:

ClinVar aggregate classification (germline): Uncertain significance (1 of 4 stars; one submission).

Submission:

GeneDx
Classification: Uncertain significance. Last evaluated: 2017-10-17. Review status: criteria provided, single submitter. Criteria: GeneDx Variant Classification (06012015). Collection method: clinical testing. Allele origin: germline. Affected: yes.
Comment: The S277C variant has not been published as a pathogenic variant, nor has it been reported as a benign variant to our knowledge. The S277C variant is not observed in large population cohorts (Lek et al., 2016). This variant is a non-conservative amino acid substitution, which is likely to impact secondary protein structure as these residues differ in polarity, charge, size and/or other properties. This substitution occurs at a position that is conserved in mammals; however, missense variants in nearby residues have not been reported in the Human Gene Mutation Database in association with GNB1-related disorders (Stenson et al., 2014). In silico analysis is inconsistent in its predictions as to whether or not the variant is damaging to the protein structure/function.

NM_002074.5(GNB1):c.830C>G (p.Ser277Cys)

Gene: GNB1 (G protein subunit beta 1; minus strand). Cytogenetic location: 1p36.33.
Variant type: single nucleotide variant.
Coding change: c.830C>G on transcript NM_002074.5 (MANE Select); coding-DNA position 830, C replaced by G.
Protein change: p.Ser277Cys; replaces serine 277 with cysteine.
Molecular consequence: missense variant.
Genome position (GRCh38, 1-based): chr1:1,789,139, G>C on the plus strand (C>G on the coding strand, the complement: GNB1 is on the minus strand). VCF-style: chr1-1789139-G-C. GRCh37 (hg19) VCF-style: chr1-1720578-G-C.
Other names: c.530C>G, p.Ser177Cys (NM_001282538.2); c.830C>G, p.Ser277Cys (NM_001282539.2); short protein forms S277C, S177C.
Identifiers: ClinVar variation 452928 (VCV000452928.2), dbSNP rs1553191757, ClinGen allele CA337903965.